The following is an entry in ClinVar:

ClinVar aggregate classification (germline): Pathogenic (1 of 4 stars; one submission).

Conditions:
Hereditary breast ovarian cancer syndrome. Also called: Hereditary breast and ovarian cancer; Hereditary breast and ovarian cancer syndrome; Hereditary breast and ovarian cancer syndrome (HBOC); Hereditary breast and/or ovarian cancer syndrome; Breast and ovarian cancer; BRCA1- and BRCA2-Associated Hereditary Breast and Ovarian Cancer. Identifiers: Orphanet 145, MedGen C0677776, MeSH D061325, MONDO:0003582. Disease mechanism: loss of function.

Submission:

Labcorp Genetics (formerly Invitae), Labcorp
Classification: Pathogenic for Hereditary breast ovarian cancer syndrome. Last evaluated: 2018-11-28. Review status: criteria provided, single submitter. Criteria: Invitae Variant Classification Sherloc (09022015). Collection method: clinical testing. Allele origin: germline.
Comment: For these reasons, this variant has been classified as Pathogenic. Loss-of-function variants in BRCA2 are known to be pathogenic (PMID: 20104584). This sequence change creates a premature translational stop signal (p.Asp2606Glyfs*12) in the BRCA2 gene. It is expected to result in an absent or disrupted protein product. This variant is not present in population databases (ExAC no frequency). This variant has not been reported in the literature in individuals with BRCA2-related disease.

Literature cited by the submitters: PubMed 20104584.

NM_000059.4(BRCA2):c.7816dup (p.Asp2606fs)

Gene: BRCA2 (BRCA2 DNA repair associated; plus strand). Cytogenetic location: 13q13.1.
Variant type: Duplication.
Coding change: c.7816dup on transcript NM_000059.4 (MANE Select); coding-DNA position 7816, one base duplicated (G; older notation c.7816dupG).
Protein change: p.Asp2606fs; shifts the reading frame from aspartic acid 2606.
Molecular consequence: frameshift variant.
Genome position (GRCh38, 1-based): chr13:32,362,533, G duplicated. VCF-style (leftmost placement, unchanged base first): chr13-32362532-T-TG. GRCh37 (hg19) VCF-style: chr13-32936669-T-TG.
Other names: c.7816dupG (NM_000059.3); short protein forms D2606fs.
Identifiers: ClinVar variation 644574 (VCV000644574.7), dbSNP rs1593923900, ClinGen allele CA915946880.
Genomic context (GRCh38, chr13:32,362,532, plus strand): 5'-AGTATCATCCTATGTGGTTTTTATGATAATATTCTACTTTTATTTGTTCAGGGCTCTGTG[T>TG]GACACTCCAGGTGTGGATCCAAAGCTTATTTCTAGAATTTGGGTTTATAATCACTATAGA-3'